The following is an entry in ClinVar:

ClinVar aggregate classification (germline): Likely benign (0 of 4 stars; one submission).

Conditions:
CENPF-related disorder. Also called: CENPF-related condition.

Allele frequency attached by ClinVar (database versions not stated): ExAC 0.00001; gnomAD 0.00001.
gnomAD v4.1: 8 of 1,613,946 alleles (0.0005%); highest among the groups gnomAD compares: East Asian, 0.0022%; no homozygotes.

Submission:

PreventionGenetics, part of Exact Sciences
Classification: Likely benign for CENPF-related condition. Last evaluated: 2022-05-27. Review status: no assertion criteria provided. Collection method: clinical testing. Allele origin: germline.
Comment: This variant is classified as likely benign based on ACMG/AMP sequence variant interpretation guidelines (Richards et al. 2015 PMID: 25741868, with internal and published modifications).

NM_016343.4(CENPF):c.6363C>T (p.Ile2121=)

Gene: CENPF (centromere protein F; plus strand). Cytogenetic location: 1q41.
Variant type: single nucleotide variant.
Coding change: c.6363C>T on transcript NM_016343.4 (MANE Select); coding-DNA position 6363, C replaced by T.
Protein change: p.Ile2121=; no amino-acid change (isoleucine 2121 retained).
Molecular consequence: synonymous variant.
Genome position (GRCh38, 1-based): chr1:214,645,933, C>T. VCF-style: chr1-214645933-C-T. GRCh37 (hg19) VCF-style: chr1-214819276-C-T.
Identifiers: ClinVar variation 3049602 (VCV003049602.2), dbSNP rs760713786, ClinGen allele CA1390941.